The following is an entry in ClinVar:

NM_012233.3(RAB3GAP1):c.2749A>C (p.Met917Leu)

Gene: RAB3GAP1 (RAB3 GTPase activating protein catalytic subunit 1; plus strand). Cytogenetic location: 2q21.3.
Variant type: single nucleotide variant.
Coding change: c.2749A>C on transcript NM_012233.3 (MANE Select); coding-DNA position 2749, A replaced by C.
Protein change: p.Met917Leu; replaces methionine 917 with leucine.
Molecular consequence: missense variant.
Genome position (GRCh38, 1-based): chr2:135,168,584, A>C. VCF-style: chr2-135168584-A-C. GRCh37 (hg19) VCF-style: chr2-135926154-A-C.
Other names: c.2770A>C, p.Met924Leu (NM_001172435.2); short protein forms M917L, M924L.
Identifiers: ClinVar variation 2142738 (VCV002142738.2), dbSNP rs754975466, ClinGen allele CA56587410.

ClinVar aggregate classification (germline): Uncertain significance (1 of 4 stars; one submission).

Allele frequency attached by ClinVar (database versions not stated): TOPMed below 0.00001; gnomAD 0.00001.
gnomAD v4.1: 7 of 1,614,086 alleles (0.00043%); highest among the groups gnomAD compares: Admixed American, 0.0067%; no homozygotes.

Submission:

Labcorp Genetics (formerly Invitae), Labcorp
Classification: Uncertain significance. Last evaluated: 2024-01-02. Review status: criteria provided, single submitter. Criteria: Invitae Variant Classification Sherloc (09022015). Collection method: clinical testing. Allele origin: germline.
Comment: This sequence change replaces methionine, which is neutral and non-polar, with leucine, which is neutral and non-polar, at codon 917 of the RAB3GAP1 protein (p.Met917Leu). This variant is present in population databases (rs754975466, gnomAD 0.003%). This variant has not been reported in the literature in individuals affected with RAB3GAP1-related conditions. ClinVar contains an entry for this variant (Variation ID: 2142738). Advanced modeling of protein sequence and biophysical properties (such as structural, functional, and spatial information, amino acid conservation, physicochemical variation, residue mobility, and thermodynamic stability) performed at Invitae indicates that this missense variant is not expected to disrupt RAB3GAP1 protein function with a negative predictive value of 80%. In summary, the available evidence is currently insufficient to determine the role of this variant in disease. Therefore, it has been classified as a Variant of Uncertain Significance.